The following is an entry in ClinVar:

ClinVar aggregate classification (germline): Likely pathogenic. Review status: reviewed by expert panel (3 of 4 stars). 6 submissions from 6 submitters: Likely pathogenic (1). 5 of the submissions do not count toward it. Last evaluated 2025-05-19.

Conditions:
Familial multiple polyposis syndrome (FAP). Also called: Familial adenomatous polyposis; Familial intestinal polyposis; Familial Adenomatous Polyposis (FAP); Familial polyposis; Classic familial adenomatous polyposis. Identifiers: Orphanet 733, MedGen C0032580, MONDO:0021055. Disease mechanism: loss of function.
Familial adenomatous polyposis 1 (FAP1). Also called: FAMILIAL ADENOMATOUS POLYPOSIS 1, ATTENUATED; POLYPOSIS, ADENOMATOUS INTESTINAL. Identifiers: MedGen C2713442, MONDO:0021056, OMIM 175100. Disease mechanism: loss of function.
Hereditary cancer-predisposing syndrome. Also called: Neoplastic Syndromes, Hereditary; Tumor predisposition; Hereditary Cancer Syndrome; Hereditary neoplastic syndrome. Identifiers: Orphanet 140162, MedGen C0027672, MeSH D009386, MONDO:0015356.

Allele frequency attached by ClinVar (database versions not stated): TOPMed below 0.00001; gnomAD 0.00001.
gnomAD v4.1: 1 of 1,613,754 alleles (0.000062%); highest among the groups gnomAD compares: Non-Finnish European, 0.000085%; no homozygotes.

Submissions (6):

ClinGen InSiGHT Hereditary Colorectal Cancer/Polyposis Variant Curation Expert Panel
Classification: Likely pathogenic for Familial adenomatous polyposis 1. Last evaluated: 2025-05-19. Review status: reviewed by expert panel. Criteria: ClinGen InSiGHT HCCP VCEP ACMG Specifications APC V1. Collection method: curation. Allele origin: germline. Inheritance: Autosomal dominant inheritance.
Comment: The NM_000038.6(APC):c.5038C>T (p.Gln1680Ter) variant in APC is a nonsense variant located between codon 49 and 2645 and predicted to cause a premature stop codon in exon 16 in a gene in which loss-of-function is an established disease mechanism (PVS1). The variant has been reported in 1 proband with a colorectal cancer/polyposis associated phenotype not meeting phenotypic criteria (PS4 not met; Ambry Genetics). This variant is absent from gnomAD v2.1.1 (PM2_Supporting). In summary, this variant meets the criteria to be classified as Likely Pathogenic for autosomal-dominant inherited FAP based on the ACMG/AMP criteria applied, as specified by the ClinGen InSiGHT Hereditary Colorectal Cancer/Polyposis VCEP: criteria PVS1 and PM2_Supporting applied (VCEP specifications version v2.1.0; date of approval 11/24/2023).

Ambry Genetics
Classification: Pathogenic for Hereditary cancer-predisposing syndrome. Last evaluated: 2024-03-13. Review status: criteria provided, single submitter. Criteria: Ambry Variant Classification Scheme 2023. Collection method: clinical testing. Allele origin: germline. Not counted in ClinVar's aggregate classification.
Comment: The p.Q1680* pathogenic mutation (also known as c.5038C>T), located in coding exon 15 of the APC gene, results from a C to T substitution at nucleotide position 5038. This changes the amino acid from a glutamine to a stop codon within coding exon 15. This variant has been observed in at least one individual with a personal and/or family history that is consistent with APC-associated polyposis conditions (Ambry internal data). This alteration is expected to result in loss of function by premature protein truncation or nonsense-mediated mRNA decay. This variant is considered to be rare based on population cohorts in the Genome Aggregation Database (gnomAD). As such, this alteration is interpreted as a disease-causing mutation.

Baylor Genetics
Classification: Likely pathogenic for Familial adenomatous polyposis 1. Last evaluated: 2024-02-06. Review status: criteria provided, single submitter. Criteria: ACMG Guidelines, 2015. Collection method: clinical testing. Allele origin: unknown. Not counted in ClinVar's aggregate classification.

Myriad Genetics, Inc.
Classification: Pathogenic for Familial adenomatous polyposis 1. Last evaluated: 2023-05-12. Review status: criteria provided, single submitter. Criteria: Myriad Autosomal Dominant, Autosomal Recessive and X-Linked Classification Criteria (2023). Collection method: clinical testing. Allele origin: unknown. Not counted in ClinVar's aggregate classification.
Comment: This variant is considered pathogenic. This variant creates a termination codon and is predicted to result in premature protein truncation.

Women's Health and Genetics/Laboratory Corporation of America, LabCorp
Classification: Likely pathogenic for Familial adenomatous polyposis. Last evaluated: 2020-09-14. Review status: criteria provided, single submitter. Criteria: LabCorp Variant Classification Summary - May 2015. Collection method: clinical testing. Allele origin: germline. Not counted in ClinVar's aggregate classification.
Comment: Variant summary: APC c.5038C>T (p.Gln1680X) results in a premature termination codon, predicted to cause a truncation of the encoded protein. The variant was absent in 250054 control chromosomes (gnomAD). To our knowledge, no occurrence of c.5038C>T in individuals affected with Familial Adenomatous Polyposis has been reported. One publication reports experimental evidence evaluating an impact on protein function, however, does not allow convincing conclusions about the variant effect (Otsuka_2003). Two ClinVar submitters (evaluation after 2014) cite the variant as pathogenic. Based on the evidence outlined above, the variant was classified as likely pathogenic.

Quest Diagnostics Nichols Institute San Juan Capistrano
Classification: Pathogenic. Last evaluated: 2016-08-02. Review status: criteria provided, single submitter. Criteria: Quest Diagnostics criteria. Collection method: clinical testing. Allele origin: germline. Not counted in ClinVar's aggregate classification.

Literature cited by the submitters: PubMed 12494469 (cited by Women's Health and Genetics/Laboratory Corporation of America, LabCorp and Quest Diagnostics Nichols Institute San Juan Capistrano).

NM_000038.6(APC):c.5038C>T (p.Gln1680Ter)

Gene: APC (APC regulator of Wnt signaling pathway; plus strand). Cytogenetic location: 5q22.2.
Variant type: single nucleotide variant.
Coding change: c.5038C>T on transcript NM_000038.6 (MANE Select); coding-DNA position 5038, C replaced by T.
Protein change: p.Gln1680Ter; replaces glutamine 1680 with a stop codon.
Molecular consequence: nonsense.
Genome position (GRCh38, 1-based): chr5:112,840,632, C>T. VCF-style: chr5-112840632-C-T. GRCh37 (hg19) VCF-style: chr5-112176329-C-T.
Other names: NM_000038.6(APC):c.5038C>T; p.Gln1680Ter; c.5038C>T, p.Gln1680Ter (NM_001127510.3, NM_001354895.2); c.4984C>T, p.Gln1662Ter (NM_001127511.3); c.5092C>T, p.Gln1698Ter (NM_001354896.2); c.5068C>T, p.Gln1690Ter (NM_001354897.2); c.4963C>T, p.Gln1655Ter (NM_001354898.2); c.4954C>T, p.Gln1652Ter (NM_001354899.2); and 7 more; short protein forms Q1662*, Q1680*, Q1520*, Q1621*, Q1639*, Q1554*, Q1690*, Q1698*.
Identifiers: ClinVar variation 230520 (VCV000230520.9), dbSNP rs754122018, ClinGen allele CA10578390.
Genomic context (GRCh38, chr5:112,840,632, plus strand): 5'-CTAACAATCGAATCCCCTCCAAATGAGTTAGCTGCTGGAGAAGGAGTTAGAGGAGGGGCA[C>T]AGTCAGGTGAATTTGAAAAACGAGATACCATTCCTACAGAAGGCAGAAGTACAGATGAGG-3'